The following is an entry in ClinVar:

NM_000057.4(BLM):c.2456A>G (p.Gln819Arg)

Gene: BLM (BLM RecQ like helicase; plus strand). Cytogenetic location: 15q26.1.
Variant type: single nucleotide variant.
Coding change: c.2456A>G on transcript NM_000057.4 (MANE Select); coding-DNA position 2456, A replaced by G.
Protein change: p.Gln819Arg; replaces glutamine 819 with arginine.
Molecular consequence: missense variant.
Genome position (GRCh38, 1-based): chr15:90,769,487, A>G. VCF-style: chr15-90769487-A-G. GRCh37 (hg19) VCF-style: chr15-91312717-A-G.
Other names: c.2456A>G (NM_000057.2); c.2456A>G, p.Gln819Arg (NM_001287246.2, NM_001287247.2); c.1331A>G, p.Gln444Arg (NM_001287248.2); short protein forms Q444R, Q819R.
Identifiers: ClinVar variation 1466439 (VCV001466439.7), dbSNP rs1265964518, ClinGen allele CA393845363.
Genomic context (GRCh38, chr15:90,769,487, plus strand): 5'-TTTCCAACTAGTGGGGACATGATTTTCGTCAAGATTACAAAAGAATGAATATGCTTCGCC[A>G]GAAGTTTCCTTCTGTTCCGGTGATGGCTCTTACGGCCACAGCTAATCCCAGGGTACAGAA-3'
Protein context (NP_000048.1, residues 809-829): QDYKRMNMLR[Gln819Arg]KFPSVPVMAL

ClinVar aggregate classification (germline): Uncertain significance. Review status: criteria provided, multiple submitters, no conflicts (2 of 4 stars). 2 submissions from 2 submitters: Uncertain significance (2). Last evaluated 2025-09-15.

Conditions:
Hereditary cancer-predisposing syndrome. Also called: Tumor predisposition; Hereditary Cancer Syndrome; Hereditary neoplastic syndrome; Neoplastic Syndromes, Hereditary. Identifiers: Orphanet 140162, MedGen C0027672, MeSH D009386, MONDO:0015356.
Bloom syndrome (BLM). Also called: Bloom-Torre-Machacek syndrome. Identifiers: Orphanet 125, MedGen C0005859, MONDO:0008876, OMIM 210900.

Allele frequency attached by ClinVar (database versions not stated): gnomAD exomes below 0.00001 and 0.00001; TOPMed below 0.00001; gnomAD 0.00001.
gnomAD v4.1: 7 of 1,614,048 alleles (0.00043%); highest among the groups gnomAD compares: Non-Finnish European, 0.00059%; no homozygotes.

Submissions (2):

Labcorp Genetics (formerly Invitae), Labcorp
Classification: Uncertain significance for Bloom syndrome. Last evaluated: 2025-09-15. Review status: criteria provided, single submitter. Criteria: Invitae Variant Classification Sherloc (09022015). Collection method: clinical testing. Allele origin: germline.
Comment: This sequence change replaces glutamine, which is neutral and polar, with arginine, which is basic and polar, at codon 819 of the BLM protein (p.Gln819Arg). This variant is present in population databases (no rsID available, gnomAD 0.002%). This variant has not been reported in the literature in individuals affected with BLM-related conditions. ClinVar contains an entry for this variant (Variation ID: 1466439). Invitae Evidence Modeling of protein sequence and biophysical properties (such as structural, functional, and spatial information, amino acid conservation, physicochemical variation, residue mobility, and thermodynamic stability) indicates that this missense variant is not expected to disrupt BLM protein function with a negative predictive value of 80%. In summary, the available evidence is currently insufficient to determine the role of this variant in disease. Therefore, it has been classified as a Variant of Uncertain Significance.

Ambry Genetics
Classification: Uncertain significance for Hereditary cancer-predisposing syndrome. Last evaluated: 2024-09-30. Review status: criteria provided, single submitter. Criteria: Ambry Variant Classification Scheme 2023. Collection method: clinical testing. Allele origin: germline.
Comment: The p.Q819R variant (also known as c.2456A>G), located in coding exon 11 of the BLM gene, results from an A to G substitution at nucleotide position 2456. The glutamine at codon 819 is replaced by arginine, an amino acid with highly similar properties. This amino acid position is conserved. In addition, this alteration is predicted to be tolerated by in silico analysis. Based on the available evidence, the clinical significance of this variant remains unclear.